The following is an entry in ClinVar:

NM_030973.4(MED25):c.393_394delinsCT (p.Met131_Arg132delinsIleCys)

Gene: MED25 (mediator complex subunit 25; plus strand). Cytogenetic location: 19q13.33.
Variant type: Indel.
Coding change: c.393_394delinsCT on transcript NM_030973.4 (MANE Select); coding-DNA positions 393 to 394, GC replaced by CT.
Protein change: p.Met131_Arg132delinsIleCys.
Molecular consequence: missense variant.
Genome position (GRCh38, 1-based): chr19:49,828,536-49,828,537, GC replaced by CT. VCF-style: chr19-49828536-GC-CT. GRCh37 (hg19) VCF-style: chr19-50331793-GC-CT.
Other names: c.393_394delinsCT, p.Met131_Arg132delinsIleCys (NM_001378355.1); c.393_394delGCinsCT (NM_030973.3).
Identifiers: ClinVar variation 476804 (VCV000476804.7), dbSNP rs1555801968, ClinGen allele CA658658828.

ClinVar aggregate classification (germline): Uncertain significance (1 of 4 stars; one submission).

Conditions:
Charcot-Marie-Tooth disease type 2. Also called: Charcot-Marie-Tooth type 2. Identifiers: Orphanet 64746, MedGen C0270914, MONDO:0018993.

Submission:

Labcorp Genetics (formerly Invitae), Labcorp
Classification: Uncertain significance for Charcot-Marie-Tooth disease type 2. Last evaluated: 2017-05-23. Review status: criteria provided, single submitter. Criteria: Invitae Variant Classification Sherloc (09022015). Collection method: clinical testing. Allele origin: germline.
Comment: This variant, c.393_394delGCinsCT, results in the deletion and insertion of 2 amino acids in the MED25 protein (p.Met131_Arg132delinsIleCys), but otherwise preserves the integrity of the reading frame. Experimental studies and prediction algorithms are not available for this variant, and the functional significance of the disrupted amino acids is currently unknown. In summary, this variant has uncertain impact on MED25 function. The available evidence is currently insufficient to determine its role in disease. Therefore, it has been classified as a Variant of Uncertain Significance. This variant has not been reported in the literature in individuals with a MED25-related disease. This variant is not present in population databases (ExAC no frequency).